The following is an entry in ClinVar:

ClinVar aggregate classification (germline): Likely pathogenic (1 of 4 stars; one submission).

Conditions:
Gordon syndrome (DA3). Also called: Gordon's syndrome; ARTHROGRYPOSIS MULTIPLEX CONGENITA, DISTAL, TYPE IIA; CAMPTODACTYLY, CLEFT PALATE, AND CLUBFOOT. Identifiers: Orphanet 376, MedGen C0220666, MONDO:0007252, OMIM 114300.

Submission:

MVZ Medizinische Genetik Mainz
Classification: Likely pathogenic for Gordon syndrome. Last evaluated: 2024-02-15. Review status: criteria provided, single submitter. Criteria: UK Practice Guidelines For Variant Classification V4 01 2020. Collection method: clinical testing. Allele origin: germline. Inheritance: Autosomal recessive inheritance. Affected: yes. Observed: 1 variant allele.
Comment: ACMG Criteria: PM3,PP3_MOD,PM2_SUP,PP2; Compound Heterozygote

NM_001378183.1(PIEZO2):c.1484T>G (p.Phe495Cys)

Gene: PIEZO2 (piezo type mechanosensitive ion channel component 2; minus strand). Cytogenetic location: 18p11.22.
Variant type: single nucleotide variant.
Coding change: c.1484T>G on transcript NM_001378183.1 (MANE Select); coding-DNA position 1484, T replaced by G.
Protein change: p.Phe495Cys; replaces phenylalanine 495 with cysteine.
Molecular consequence: missense variant.
Genome position (GRCh38, 1-based): chr18:10,797,417, A>C on the plus strand (T>G on the coding strand, the complement: PIEZO2 is on the minus strand). VCF-style: chr18-10797417-A-C. GRCh37 (hg19) VCF-style: chr18-10797415-A-C.
Other names: c.1484T>G, p.Phe495Cys (NM_001410871.1, NM_022068.4); short protein forms F495C.
Identifiers: ClinVar variation 3236261 (VCV003236261.1), dbSNP rs2510766806, ClinGen allele CA401924818.